The following is an entry in ClinVar:

NM_007194.4(CHEK2):c.1256T>C (p.Ile419Thr)

Gene: CHEK2 (checkpoint kinase 2; minus strand). Cytogenetic location: 22q12.1.
Variant type: single nucleotide variant.
Coding change: c.1256T>C on transcript NM_007194.4 (MANE Select); coding-DNA position 1256, T replaced by C.
Protein change: p.Ile419Thr; replaces isoleucine 419 with threonine.
Molecular consequence: missense variant.
Genome position (GRCh38, 1-based): chr22:28,695,713, A>G on the plus strand (T>C on the coding strand, the complement: CHEK2 is on the minus strand). VCF-style: chr22-28695713-A-G. GRCh37 (hg19) VCF-style: chr22-29091701-A-G.
Other names: c.1385T>C, p.Ile462Thr (NM_001005735.3); c.593T>C, p.Ile198Thr (NM_001257387.3); c.1055T>C, p.Ile352Thr (NM_001349956.3); c.1169T>C, p.Ile390Thr (NM_145862.3); short protein forms I198T, I352T, I462T, I419T, I390T.
Identifiers: ClinVar variation 657713 (VCV000657713.12), dbSNP rs1601721712, ClinGen allele CA411096501.

ClinVar aggregate classification (germline): Uncertain significance. Review status: criteria provided, multiple submitters, no conflicts (2 of 4 stars). 3 submissions from 3 submitters: Uncertain significance (3). Last evaluated 2024-10-31.

Conditions:
Hereditary cancer-predisposing syndrome. Also called: Hereditary neoplastic syndrome; Neoplastic Syndromes, Hereditary; Hereditary Cancer Syndrome; Tumor predisposition. Identifiers: Orphanet 140162, MedGen C0027672, MeSH D009386, MONDO:0015356.
Familial cancer of breast. Also called: Hereditary breast cancer; hereditary breast carcinoma; BREAST CANCER, FAMILIAL. Identifiers: Orphanet 227535, MedGen C0346153, MONDO:0016419, OMIM 114480. Disease mechanism: loss of function.

gnomAD v4.1: 1 of 1,613,164 alleles (0.000062%); no homozygotes.

Submissions (3):

Ambry Genetics
Classification: Uncertain significance for Hereditary cancer-predisposing syndrome. Last evaluated: 2024-10-31. Review status: criteria provided, single submitter. Criteria: Ambry Variant Classification Scheme 2023. Collection method: clinical testing. Allele origin: germline.
Comment: The p.I419T variant (also known as c.1256T>C), located in coding exon 10 of the CHEK2 gene, results from a T to C substitution at nucleotide position 1256. The isoleucine at codon 419 is replaced by threonine, an amino acid with similar properties. This amino acid position is not well conserved in available vertebrate species. In addition, this alteration is predicted to be tolerated by in silico analysis. Based on the available evidence, the clinical significance of this variant remains unclear.

Labcorp Genetics (formerly Invitae), Labcorp
Classification: Uncertain significance for Familial cancer of breast. Last evaluated: 2023-08-16. Review status: criteria provided, single submitter. Criteria: Invitae Variant Classification Sherloc (09022015). Collection method: clinical testing. Allele origin: germline.
Comment: This variant has not been reported in the literature in individuals affected with CHEK2-related conditions. In summary, the available evidence is currently insufficient to determine the role of this variant in disease. Therefore, it has been classified as a Variant of Uncertain Significance. An algorithm developed to predict the effect of missense changes on protein structure and function (PolyPhen-2) suggests that this variant is likely to be disruptive. ClinVar contains an entry for this variant (Variation ID: 657713). This variant is not present in population databases (gnomAD no frequency). This sequence change replaces isoleucine, which is neutral and non-polar, with threonine, which is neutral and polar, at codon 419 of the CHEK2 protein (p.Ile419Thr).

GeneDx
Classification: Uncertain significance. Last evaluated: 2019-10-10. Review status: criteria provided, single submitter. Criteria: GeneDx Variant Classification Process June 2021. Collection method: clinical testing. Allele origin: germline. Affected: yes.
Comment: Not observed in large population cohorts (Lek 2016); In silico analysis, which includes protein predictors and evolutionary conservation, supports a deleterious effect; Has not been previously published as pathogenic or benign to our knowledge